The following is an entry in ClinVar:

ClinVar aggregate classification (germline): Pathogenic (1 of 4 stars; one submission).

Conditions:
Neurofibromatosis, type 1 (NF1). Also called: Peripheral type neurofibromatosis; VON RECKLINGHAUSEN DISEASE; Neurofibromatosis, type I; NEUROFIBROMATOSIS, TYPE I, SOMATIC. Identifiers: Orphanet 636, MedGen C0027831, MONDO:0018975, OMIM 162200. Disease mechanism: loss of function.

Submission:

Labcorp Genetics (formerly Invitae), Labcorp
Classification: Pathogenic for Neurofibromatosis, type 1. Last evaluated: 2019-03-06. Review status: criteria provided, single submitter. Criteria: Invitae Variant Classification Sherloc (09022015). Collection method: clinical testing. Allele origin: germline.
Comment: For these reasons, this variant has been classified as Pathogenic. Loss-of-function variants in NF1 are known to be pathogenic (PMID: 10712197, 23913538). This variant has not been reported in the literature in individuals with NF1-related conditions. This variant is not present in population databases (ExAC no frequency). This sequence change creates a premature translational stop signal (p.His623Profs*8) in the NF1 gene. It is expected to result in an absent or disrupted protein product.

Literature cited by the submitters: PubMed 10712197; PubMed 23913538.

NM_001042492.3(NF1):c.1868del (p.His623fs)

Gene: NF1 (neurofibromin 1; plus strand). Cytogenetic location: 17q11.2.
Variant type: Deletion.
Coding change: c.1868del on transcript NM_001042492.3 (MANE Select); coding-DNA position 1868, one base deleted (A; older notation c.1868delA).
Protein change: p.His623fs; shifts the reading frame from histidine 623.
Molecular consequence: frameshift variant.
Genome position (GRCh38, 1-based): chr17:31,225,117, A deleted. VCF-style (leftmost placement, unchanged base first): chr17-31225116-CA-C. GRCh37 (hg19) VCF-style: chr17-29552134-CA-C.
Other names: c.1868delA, p.His623Profs (NM_000267.4); short protein forms H623fs.
Identifiers: ClinVar variation 846196 (VCV000846196.6), dbSNP rs2066990036, ClinGen allele CA916080578.